The following is an entry in ClinVar:

ClinVar aggregate classification (germline): Conflicting classifications of pathogenicity. Review status: criteria provided, conflicting classifications (1 of 4 stars). 4 submissions from 4 submitters: Uncertain significance (1); Likely benign (3). Last evaluated 2026-05-26.

Conditions:
TRPM6-related disorder. Also called: TRPM6-related condition.
Intestinal hypomagnesemia 1. Also called: HYPOMAGNESEMIA, INTESTINAL, WITH SECONDARY HYPOCALCEMIA; HYPOMAGNESEMIC TETANY. Identifiers: Orphanet 30924, MedGen C1865974, MONDO:0011176, OMIM 602014.

Allele frequency attached by ClinVar (database versions not stated): ExAC 0.00011; gnomAD exomes 0.00013 and 0.00014; 1000 Genomes Project 30x 0.00016; gnomAD 0.00017 and 0.00019; TOPMed 0.00018; 1000 Genomes Project 0.00020; ESP Exome Variant Server 0.00023.
gnomAD v4.1: 213 of 1,610,666 alleles (0.013%); highest among the groups gnomAD compares: Admixed American, 0.035%; no homozygotes.

Submissions (4):

PreventionGenetics, part of Exact Sciences
Classification: Likely benign for TRPM6-related condition. Last evaluated: 2026-05-26. Review status: criteria provided, single submitter. Criteria: ACMG Guidelines, 2015. Collection method: clinical testing. Allele origin: germline.
Comment: This variant is classified as likely benign based on ACMG/AMP sequence variant interpretation guidelines (Richards et al. 2015 PMID: 25741868, with internal and published modifications).

Labcorp Genetics (formerly Invitae), Labcorp
Classification: Likely benign. Last evaluated: 2025-11-11. Review status: criteria provided, single submitter. Criteria: Invitae Variant Classification Sherloc (09022015). Collection method: clinical testing. Allele origin: germline.

Blueprint Genetics
Classification: Likely benign. Last evaluated: 2024-03-09. Review status: criteria provided, single submitter. Criteria: ACMG Guidelines, 2015. Collection method: clinical testing. Allele origin: germline.

Illumina Laboratory Services, Illumina
Classification: Uncertain significance for Intestinal hypomagnesemia 1. Last evaluated: 2018-01-13. Review status: criteria provided, single submitter. Criteria: ICSL Variant Classification Criteria 13 December 2019. Collection method: clinical testing. Allele origin: germline.

NM_017662.5(TRPM6):c.1647A>G (p.Arg549=)

Gene: TRPM6 (transient receptor potential cation channel subfamily M member 6; minus strand). Cytogenetic location: 9q21.13.
Variant type: single nucleotide variant.
Coding change: c.1647A>G on transcript NM_017662.5 (MANE Select); coding-DNA position 1647, A replaced by G.
Protein change: p.Arg549=; no amino-acid change (arginine 549 retained).
Molecular consequence: synonymous variant.
Genome position (GRCh38, 1-based): chr9:74,803,878, T>C on the plus strand (A>G on the coding strand, the complement: TRPM6 is on the minus strand). VCF-style: chr9-74803878-T-C. GRCh37 (hg19) VCF-style: chr9-77418794-T-C.
Other names: c.1632A>G, p.Arg544= (NM_001177310.2, NM_001177311.2).
Identifiers: ClinVar variation 367321 (VCV000367321.11), dbSNP rs148657084, ClinGen allele CA5084763.
Genomic context (GRCh38, chr9:74,803,878, plus strand): 5'-TCTAATGAACTGGGAGTGCAGCGTACTTTCTGCAGACTCATTTCTATTTCCTGAGGAGTG[T>C]CTCTGGTGCTGGGAAAGGTTTTGAACAAAGCTGGTCACTCTCTGGCACGTTATTATTTTA-3'
Protein context (NP_060132.3, residues 539-559): NNLYRKYKHQ[Arg549=]HSSGNRNESA